The following is an entry in ClinVar:

NM_001291415.2(KDM6A):c.2350dup (p.Arg784fs)

Gene: KDM6A (lysine demethylase 6A; plus strand). Cytogenetic location: Xp11.3.
Variant type: Duplication.
Coding change: c.2350dup on transcript NM_001291415.2 (MANE Select); coding-DNA position 2350, one base duplicated (A; older notation c.2350dupA).
Protein change: p.Arg784fs; shifts the reading frame from arginine 784.
Molecular consequence: frameshift variant. On other transcripts: non-coding transcript variant (1).
Genome position (GRCh38, 1-based): chrX:45,069,849, A duplicated. VCF-style (leftmost placement, unchanged base first): chrX-45069848-C-CA. GRCh37 (hg19) VCF-style: chrX-44929093-C-CA.
Other names: c.2215dup, p.Arg739fs (NM_001291416.2, NM_001419811.1); c.2059dup, p.Arg687fs (NM_001291417.2); c.1957dup, p.Arg653fs (NM_001291418.2, NM_001419815.1); c.1306dup, p.Arg436fs (NM_001291421.2); c.2092dup, p.Arg698fs (NM_001410742.1, NM_001419814.1); c.2350dup, p.Arg784fs (NM_001419809.1); c.2248dup, p.Arg750fs (NM_001419810.1, NM_001419813.1); c.2194dup, p.Arg732fs (NM_001419812.1, NM_021140.4); short protein forms R436fs, R653fs, R687fs, R698fs, R732fs, R739fs, R750fs, R784fs.
Identifiers: ClinVar variation 4531268 (VCV004531268.1).
Genomic context (GRCh38, chrX:45,069,848, plus strand): 5'-CATTACCTTAACCAAAGAGAGCAAGCCTTCAGGAAACATATTGACGGTGCCTGAAACAAG[C>CA]AGGCACACTGGAGAGACACCTAACAGCACTGCCAGTGTCGAGGGACTTCCTAATCATGTC-3'

ClinVar aggregate classification (germline): Pathogenic (1 of 4 stars; one submission).

Conditions:
Kabuki syndrome 2 (KABUK2). Also called: KDM6A-Related Kabuki Syndrome. Identifiers: Orphanet 2322, MedGen C3275495, MONDO:0010465, OMIM 300867.

Submission:

Juno Genomics, Hangzhou Juno Genomics, Inc
Classification: Pathogenic for Kabuki syndrome 2. Review status: criteria provided, single submitter. Criteria: ACMG Guidelines, 2015. Collection method: clinical testing. Allele origin: germline. Affected: yes.
Comment: Absent from controls (or at extremely low frequency if recessive) in Genome Aggregation Database, Exome Sequencing Project, 1000 Genomes Project, or Exome Aggregation Consortium.;De novo (both maternity and paternity confirmed) in a patient with the disease and no family history.;Null variant in a gene where loss of function (LOF) is a known mechanism of disease.